The following is an entry in ClinVar:

NM_001379403.1(WDR26):c.1827T>G (p.Ile609Met)

Gene: WDR26 (WD repeat domain 26; minus strand). Cytogenetic location: 1q42.11.
Variant type: single nucleotide variant.
Coding change: c.1827T>G on transcript NM_001379403.1 (MANE Select); coding-DNA position 1827, T replaced by G.
Protein change: p.Ile609Met; replaces isoleucine 609 with methionine.
Molecular consequence: missense variant.
Genome position (GRCh38, 1-based): chr1:224,398,927, A>C on the plus strand (T>G on the coding strand, the complement: WDR26 is on the minus strand). VCF-style: chr1-224398927-A-C. GRCh37 (hg19) VCF-style: chr1-224586629-A-C.
Other names: c.1479T>G, p.Ile493Met (NM_001115113.3); c.1527T>G, p.Ile509Met (NM_025160.7); short protein forms I493M, I509M, I609M.
Identifiers: ClinVar variation 4531047 (VCV004531047.1).
Genomic context (GRCh38, chr1:224,398,927, plus strand): 5'-AATGGAAACAAAAAATAGTTACATGTTCCTATCTGTAAGGTCCTCGAAGTTATAGCCCCG[A>C]ATTCGCTGGTGTGTATCTGATGCCAGAACAGTCTTTCCATCACTCAAGCACCAAAGGCAT-3'
Protein context (NP_001366332.1, residues 599-619): TVLASDTHQR[Ile609Met]RGYNFEDLTD

ClinVar aggregate classification (germline): Uncertain significance (1 of 4 stars; one submission).

Submission:

GeneDx
Classification: Uncertain significance. Last evaluated: 2025-05-22. Review status: criteria provided, single submitter. Criteria: GeneDx Variant Classification Process June 2021. Collection method: clinical testing. Allele origin: germline. Affected: yes.
Comment: Not observed at significant frequency in large population cohorts (gnomAD); In silico analysis supports that this missense variant has a deleterious effect on protein structure/function; Has not been previously published as pathogenic or benign to our knowledge